The following is an entry in ClinVar:

ClinVar aggregate classification (germline): Uncertain significance (1 of 4 stars; one submission).

Conditions:
Werner syndrome (WRN). Identifiers: Orphanet 902, MedGen C0043119, MONDO:0010196, OMIM 277700.

gnomAD v4.1: 4 of 1,603,332 alleles (0.00025%); highest among the groups gnomAD compares: Non-Finnish European, 0.00026%; no homozygotes.

Submission:

Labcorp Genetics (formerly Invitae), Labcorp
Classification: Uncertain significance for Werner syndrome. Last evaluated: 2023-08-30. Review status: criteria provided, single submitter. Criteria: Invitae Variant Classification Sherloc (09022015). Collection method: clinical testing. Allele origin: germline.
Comment: In summary, the available evidence is currently insufficient to determine the role of this variant in disease. Therefore, it has been classified as a Variant of Uncertain Significance. An algorithm developed to predict the effect of missense changes on protein structure and function (PolyPhen-2) suggests that this variant is likely to be disruptive. ClinVar contains an entry for this variant (Variation ID: 933329). This variant has not been reported in the literature in individuals affected with WRN-related conditions. This variant is not present in population databases (gnomAD no frequency). This sequence change replaces glycine, which is neutral and non-polar, with valine, which is neutral and non-polar, at codon 574 of the WRN protein (p.Gly574Val).

NM_000553.6(WRN):c.1721G>T (p.Gly574Val)

Gene: WRN (WRN RecQ like helicase; plus strand). Cytogenetic location: 8p12.
Variant type: single nucleotide variant.
Coding change: c.1721G>T on transcript NM_000553.6 (MANE Select); coding-DNA position 1721, G replaced by T.
Protein change: p.Gly574Val; replaces glycine 574 with valine.
Molecular consequence: missense variant.
Genome position (GRCh38, 1-based): chr8:31,090,834, G>T. VCF-style: chr8-31090834-G-T. GRCh37 (hg19) VCF-style: chr8-30948350-G-T.
Other names: short protein forms G574V.
Identifiers: ClinVar variation 933329 (VCV000933329.6), dbSNP rs1563344853, ClinGen allele CA370927343.